The following is an entry in ClinVar:

NM_001349253.2(SCN11A):c.64G>T (p.Asp22Tyr)

Gene: SCN11A (sodium voltage-gated channel alpha subunit 11; minus strand). Cytogenetic location: 3p22.2.
Variant type: single nucleotide variant.
Coding change: c.64G>T on transcript NM_001349253.2 (MANE Select); coding-DNA position 64, G replaced by T.
Protein change: p.Asp22Tyr; replaces aspartic acid 22 with tyrosine.
Molecular consequence: missense variant.
Genome position (GRCh38, 1-based): chr3:38,950,299, C>A on the plus strand (G>T on the coding strand, the complement: SCN11A is on the minus strand). VCF-style: chr3-38950299-C-A. GRCh37 (hg19) VCF-style: chr3-38991790-C-A.
Other names: c.64G>T, p.Asp22Tyr (NM_014139.3); short protein forms D22Y.
Identifiers: ClinVar variation 3063586 (VCV003063586.1), dbSNP rs753397641, ClinGen allele CA2322785.

ClinVar aggregate classification (germline): Uncertain significance (1 of 4 stars; one submission).

Conditions:
Hereditary sensory and autonomic neuropathy type 7. Also called: HSAN VII; Neuropathy, hereditary sensory and autonomic, type VII. Identifiers: Orphanet 391397, MedGen C3809882, MONDO:0014244, OMIM 615548.

Submission:

Institute of Immunology and Genetics Kaiserslautern
Classification: Uncertain significance for Hereditary sensory and autonomic neuropathy type 7. Last evaluated: 2024-02-21. Review status: criteria provided, single submitter. Criteria: ACMG Guidelines, 2015. Collection method: clinical testing. Allele origin: germline. Affected: yes.
Comment: ACMG Criteria: PM2, PP3; Variant was found in heterozygous state